The following is an entry in ClinVar:

NM_006941.4(SOX10):c.500A>T (p.Asp167Val)

Genes: POLR2F (RNA polymerase II, I and III subunit F; plus strand), SOX10 (SRY-box transcription factor 10; minus strand). Cytogenetic location: 22q13.1.
Variant type: single nucleotide variant.
Coding change: c.500A>T on transcript NM_006941.4 (MANE Select); coding-DNA position 500, A replaced by T.
Protein change: p.Asp167Val; replaces aspartic acid 167 with valine.
Molecular consequence: missense variant. On other transcripts: intron variant (3).
Genome position (GRCh38, 1-based): chr22:37,978,064, T>A on the plus strand (A>T on the coding strand, the complement: SOX10 is on the minus strand). VCF-style: chr22-37978064-T-A. GRCh37 (hg19) VCF-style: chr22-38374071-T-A.
Other names: c.*38+5754T>A (NM_001363825.1); c.294-8090T>A (NM_001301130.2); c.293+10894T>A (NM_001301131.2); short protein forms D167V.
Identifiers: ClinVar variation 4709962 (VCV004709962.1).

ClinVar aggregate classification (germline): Uncertain significance (1 of 4 stars; one submission).

Submission:

Labcorp Genetics (formerly Invitae), Labcorp
Classification: Uncertain significance. Last evaluated: 2025-11-27. Review status: criteria provided, single submitter. Criteria: Invitae Variant Classification Sherloc (09022015). Collection method: clinical testing. Allele origin: germline.
Comment: This sequence change replaces aspartic acid, which is acidic and polar, with valine, which is neutral and non-polar, at codon 167 of the SOX10 protein (p.Asp167Val). This variant is not present in population databases (gnomAD no frequency). This variant has not been reported in the literature in individuals affected with SOX10-related conditions. Invitae Evidence Modeling of protein sequence and biophysical properties (such as structural, functional, and spatial information, amino acid conservation, physicochemical variation, residue mobility, and thermodynamic stability) has been performed for this missense variant. However, the output from this modeling did not meet the statistical confidence thresholds required to predict the impact of this variant on SOX10 protein function. In summary, the available evidence is currently insufficient to determine the role of this variant in disease. Therefore, it has been classified as a Variant of Uncertain Significance.